The following is an entry in ClinVar:

ClinVar aggregate classification (germline): Uncertain significance (1 of 4 stars; one submission).

Conditions:
Inborn genetic diseases. Identifiers: MedGen C0950123, MeSH D030342.

Submission:

Ambry Genetics
Classification: Uncertain significance for Inborn genetic diseases. Last evaluated: 2025-07-14. Review status: criteria provided, single submitter. Criteria: Ambry Variant Classification Scheme 2023. Collection method: clinical testing. Allele origin: germline.
Comment: The p.L584F variant (also known as c.1750C>T), located in coding exon 19 of the FANCA gene, results from a C to T substitution at nucleotide position 1750. The leucine at codon 584 is replaced by phenylalanine, an amino acid with highly similar properties. This amino acid position is conserved. In addition, this alteration is predicted to be deleterious by in silico analysis. Based on the available evidence, the clinical significance of this variant remains unclear.

NM_000135.4(FANCA):c.1750C>T (p.Leu584Phe)

Gene: FANCA (FA complementation group A; minus strand). Cytogenetic location: 16q24.3.
Variant type: single nucleotide variant.
Coding change: c.1750C>T on transcript NM_000135.4 (MANE Select); coding-DNA position 1750, C replaced by T.
Protein change: p.Leu584Phe; replaces leucine 584 with phenylalanine.
Molecular consequence: missense variant.
Genome position (GRCh38, 1-based): chr16:89,778,969, G>A on the plus strand (C>T on the coding strand, the complement: FANCA is on the minus strand). VCF-style: chr16-89778969-G-A. GRCh37 (hg19) VCF-style: chr16-89845377-G-A.
Other names: c.1750C>T, p.Leu584Phe (NM_001286167.3); short protein forms L584F.
Identifiers: ClinVar variation 4254202 (VCV004254202.1).